The following is an entry in ClinVar:

NM_007194.4(CHEK2):c.1450C>A (p.Pro484Thr)

Gene: CHEK2 (checkpoint kinase 2; minus strand). Cytogenetic location: 22q12.1.
Variant type: single nucleotide variant.
Coding change: c.1450C>A on transcript NM_007194.4 (MANE Select); coding-DNA position 1450, C replaced by A.
Protein change: p.Pro484Thr; replaces proline 484 with threonine.
Molecular consequence: missense variant.
Genome position (GRCh38, 1-based): chr22:28,694,043, G>T on the plus strand (C>A on the coding strand, the complement: CHEK2 is on the minus strand). VCF-style: chr22-28694043-G-T. GRCh37 (hg19) VCF-style: chr22-29090031-G-T.
Other names: p.P484T:CCG>ACG; c.1579C>A, p.Pro527Thr (NM_001005735.3); c.787C>A, p.Pro263Thr (NM_001257387.3); c.1249C>A, p.Pro417Thr (NM_001349956.3); c.1363C>A, p.Pro455Thr (NM_145862.3); short protein forms P484T, P417T, P263T, P455T, P527T.
Identifiers: ClinVar variation 182439 (VCV000182439.30), dbSNP rs548850521, ClinGen allele CA299090.

ClinVar aggregate classification (germline): Uncertain significance. Review status: criteria provided, multiple submitters, no conflicts (2 of 4 stars). 9 submissions from 9 submitters: Uncertain significance (7). 2 of the submissions do not count toward it. Last evaluated 2025-10-28.

Conditions:
Hereditary cancer-predisposing syndrome. Also called: Tumor predisposition; Hereditary Cancer Syndrome; Hereditary neoplastic syndrome; Neoplastic Syndromes, Hereditary. Identifiers: Orphanet 140162, MedGen C0027672, MeSH D009386, MONDO:0015356.
Familial cancer of breast. Also called: BREAST CANCER, FAMILIAL; Hereditary breast cancer; hereditary breast carcinoma. Identifiers: Orphanet 227535, MedGen C0346153, MONDO:0016419, OMIM 114480. Disease mechanism: loss of function.

Allele frequency attached by ClinVar (database versions not stated): gnomAD exomes below 0.00001; gnomAD 0.00001; TOPMed 0.00001.

Submissions (9):

Labcorp Genetics (formerly Invitae), Labcorp
Classification: Uncertain significance for Familial cancer of breast. Last evaluated: 2025-10-28. Review status: criteria provided, single submitter. Criteria: Invitae Variant Classification Sherloc (09022015). Collection method: clinical testing. Allele origin: germline.
Comment: This sequence change replaces proline, which is neutral and non-polar, with threonine, which is neutral and polar, at codon 484 of the CHEK2 protein (p.Pro484Thr). This variant is present in population databases (rs548850521, gnomAD 0.0009%). This missense change has been observed in individual(s) with colorectal cancer (PMID: 38061684). ClinVar contains an entry for this variant (Variation ID: 182439). An algorithm developed to predict the effect of missense changes on protein structure and function (PolyPhen-2) suggests that this variant is likely to be tolerated. Experimental studies have shown that this missense change does not substantially affect CHEK2 function (PMID: 30851065, 37449874). In summary, the available evidence is currently insufficient to determine the role of this variant in disease. Therefore, it has been classified as a Variant of Uncertain Significance.

Ambry Genetics
Classification: Uncertain significance for Hereditary cancer-predisposing syndrome. Last evaluated: 2025-07-17. Review status: criteria provided, single submitter. Criteria: Ambry Variant Classification Scheme 2023. Collection method: clinical testing. Allele origin: germline.
Comment: The p.P484T variant (also known as c.1450C>A), located in coding exon 12 of the CHEK2 gene, results from a C to A substitution at nucleotide position 1450. The proline at codon 484 is replaced by threonine, an amino acid with highly similar properties. This alteration behaved as functional in an in vivo, yeast-based growth rate assay (Delimitsou A et al. Hum Mutat, 2019 05;40:631-648). This amino acid position is highly conserved in available vertebrate species. In addition, this alteration is predicted to be deleterious by in silico analysis. Since supporting evidence is limited at this time, the clinical significance of this alteration remains unclear.

Color Diagnostics, LLC DBA Color Health
Classification: Uncertain significance for Hereditary cancer-predisposing syndrome. Last evaluated: 2024-02-26. Review status: criteria provided, single submitter. Criteria: ACMG Guidelines, 2015. Collection method: clinical testing. Allele origin: germline.
Comment: This missense variant replaces proline with threonine at codon 484 of the CHEK2 protein. Computational prediction suggests that this variant may not impact protein structure and function. A functional study has shown the mutant protein to exhibit normal CHEK2 protein function in a DNA damage repair assay in yeast (PMID: 30851065). This variant has been reported in an individual affected with breast cancer (PMID: 33471991) and in an individual affected with attenuated familial adenomatous polyposis (PMID: 38061684). This variant has been identified in 1/233782 chromosomes in the general population by the Genome Aggregation Database (gnomAD). The available evidence is insufficient to determine the role of this variant in disease conclusively. Therefore, this variant is classified as a Variant of Uncertain Significance.

GeneDx
Classification: Uncertain significance. Last evaluated: 2023-07-11. Review status: criteria provided, single submitter. Criteria: GeneDx Variant Classification Process June 2021. Collection method: clinical testing. Allele origin: germline. Affected: yes.
Comment: Not observed at significant frequency in large population cohorts (gnomAD); In silico analysis supports that this missense variant has a deleterious effect on protein structure/function; Identified in individual(s) with breast cancer and also in unaffected control subjects (PMID: 37449874); This variant is associated with the following publications: (PMID: 30851065, 19782031, 22419737, 37449874)

Clinical Genetics Laboratory, Skane University Hospital Lund
Classification: Uncertain significance. Last evaluated: 2022-06-09. Review status: criteria provided, single submitter. Criteria: ACMG Guidelines, 2015. Collection method: clinical testing. Allele origin: germline. Affected: yes.

Sema4
Classification: Uncertain significance for Hereditary cancer-predisposing syndrome. Last evaluated: 2022-02-23. Review status: criteria provided, single submitter. Criteria: Sema4 Curation Guidelines. Collection method: curation. Allele origin: germline.
Comment: The CHEK2 c.1450C>A (p.P484T) variant has been reported in at least one patient with breast cancer (PMID: 33471991). It was observed in 1/108756 chromosomes of the Non-Finnish European subpopulation in the large and broad cohorts of the Genome Aggregation Database (PMID: 32461654). The variant has been reported in ClinVar (Variation ID 182439). In silico tools suggest the impact of the variant on protein function is inconclusive. A yeast-based functional study demonstrated similar to normal function of the protein (PMID: 33471991). The evidence is insufficient to meet ACMG/AMP criteria for classifying the variant as benign or pathogenic. Thus, the clinical significance of this variant is currently uncertain.

MGZ Medical Genetics Center
Classification: Uncertain significance for Familial cancer of breast. Last evaluated: 2022-01-25. Review status: criteria provided, single submitter. Criteria: ACMG Guidelines, 2015. Collection method: clinical testing. Allele origin: germline. Affected: yes. Observed: 1 variant allele.
Comment: ACMG criteria applied: PM2_SUP, BS3_SUP

Diagnostic Laboratory, Department of Genetics, University Medical Center Groningen
Classification: Uncertain significance. Review status: no assertion criteria provided. Collection method: clinical testing. Allele origin: germline. Affected: yes. Study: VKGL Data-share Consensus. Not counted in ClinVar's aggregate classification.

Joint Genome Diagnostic Labs from Nijmegen and Maastricht, Radboudumc and MUMC+
Classification: Uncertain significance. Review status: no assertion criteria provided. Collection method: clinical testing. Allele origin: germline. Affected: yes. Study: VKGL Data-share Consensus. Not counted in ClinVar's aggregate classification.

Literature cited by the submitters: PubMed 38061684 (cited by Labcorp Genetics (formerly Invitae), Labcorp and Color Diagnostics, LLC DBA Color Health); PubMed 30851065 (cited by 3 submitters); PubMed 37449874 (cited by Labcorp Genetics (formerly Invitae), Labcorp); PubMed 33471991 (cited by Color Diagnostics, LLC DBA Color Health and Sema4).